The following is an entry in ClinVar:

ClinVar aggregate classification (germline): Uncertain significance (1 of 4 stars; one submission).

Conditions:
Severe combined immunodeficiency due to DCLRE1C deficiency (RS-SCID). Also called: SCID, AUTOSOMAL RECESSIVE, T CELL-NEGATIVE, B CELL-NEGATIVE, NK CELL-POSITIVE, WITH SENSITIVITY TO IONIZING RADIATION. Identifiers: Orphanet 275, MedGen C1865371, MONDO:0011225, OMIM 602450.

Allele frequency attached by ClinVar (database versions not stated): gnomAD exomes below 0.00001; TOPMed 0.00001; gnomAD 0.00001.

Submission:

Labcorp Genetics (formerly Invitae), Labcorp
Classification: Uncertain significance for Athabaskan severe combined immunodeficiency. Last evaluated: 2023-08-04. Review status: criteria provided, single submitter. Criteria: Invitae Variant Classification Sherloc (09022015). Collection method: clinical testing. Allele origin: germline.
Comment: This variant is not present in population databases (gnomAD no frequency). This variant has not been reported in the literature in individuals affected with DCLRE1C-related conditions. ClinVar contains an entry for this variant (Variation ID: 1388107). Advanced modeling of protein sequence and biophysical properties (such as structural, functional, and spatial information, amino acid conservation, physicochemical variation, residue mobility, and thermodynamic stability) performed at Invitae indicates that this missense variant is not expected to disrupt DCLRE1C protein function. In summary, the available evidence is currently insufficient to determine the role of this variant in disease. Therefore, it has been classified as a Variant of Uncertain Significance. This sequence change replaces valine, which is neutral and non-polar, with alanine, which is neutral and non-polar, at codon 351 of the DCLRE1C protein (p.Val351Ala).

NM_001033855.3(DCLRE1C):c.1052T>C (p.Val351Ala)

Gene: DCLRE1C (DNA cross-link repair 1C; minus strand). Cytogenetic location: 10p13.
Variant type: single nucleotide variant.
Coding change: c.1052T>C on transcript NM_001033855.3 (MANE Select); coding-DNA position 1052, T replaced by C.
Protein change: p.Val351Ala; replaces valine 351 with alanine.
Molecular consequence: missense variant. On other transcripts: non-coding transcript variant (4).
Genome position (GRCh38, 1-based): chr10:14,922,990, A>G on the plus strand (T>C on the coding strand, the complement: DCLRE1C is on the minus strand). VCF-style: chr10-14922990-A-G. GRCh37 (hg19) VCF-style: chr10-14964989-A-G.
Other names: c.692T>C, p.Val231Ala (NM_001033857.3, NM_001033858.3, NM_001289077.2 and 2 more transcripts); c.707T>C, p.Val236Ala (NM_001289076.2, NM_001289078.2, NM_001350966.2 and 1 more transcripts); c.1052T>C, p.Val351Ala (NM_001350965.2); short protein forms V351A, V236A, V231A.
Identifiers: ClinVar variation 1388107 (VCV001388107.6), dbSNP rs1046572671, ClinGen allele CA203387685.